The following is an entry in ClinVar:

ClinVar aggregate classification (germline): Uncertain significance (1 of 4 stars; one submission).

Submission:

Labcorp Genetics (formerly Invitae), Labcorp
Classification: Uncertain significance. Last evaluated: 2023-05-02. Review status: criteria provided, single submitter. Criteria: Invitae Variant Classification Sherloc (09022015). Collection method: clinical testing. Allele origin: germline.
Comment: This sequence change replaces proline, which is neutral and non-polar, with serine, which is neutral and polar, at codon 247 of the IRF9 protein (p.Pro247Ser). This variant is not present in population databases (gnomAD no frequency). This variant has not been reported in the literature in individuals affected with IRF9-related conditions. An algorithm developed to predict the effect of missense changes on protein structure and function (PolyPhen-2) suggests that this variant is likely to be tolerated. In summary, the available evidence is currently insufficient to determine the role of this variant in disease. Therefore, it has been classified as a Variant of Uncertain Significance.

NM_006084.5(IRF9):c.739C>T (p.Pro247Ser)

Gene: IRF9 (interferon regulatory factor 9; plus strand). Cytogenetic location: 14q12.
Variant type: single nucleotide variant.
Coding change: c.739C>T on transcript NM_006084.5 (MANE Select); coding-DNA position 739, C replaced by T.
Protein change: p.Pro247Ser; replaces proline 247 with serine.
Molecular consequence: missense variant. On other transcripts: intron variant (1).
Genome position (GRCh38, 1-based): chr14:24,164,703, C>T. VCF-style: chr14-24164703-C-T. GRCh37 (hg19) VCF-style: chr14-24633912-C-T.
Other names: c.766C>T, p.Pro256Ser (NM_001385400.1, NM_001385401.1); c.650-174C>T (NM_001385402.1); short protein forms P247S, P256S.
Identifiers: ClinVar variation 2861793 (VCV002861793.3), dbSNP rs2502044251, ClinGen allele CA389207810.
Genomic context (GRCh38, chr14:24,164,703, plus strand): 5'-AACGGGCGCGTGGTGGGCGAGGCCCAGGTGCAAAGCCTGGATTGCCGCCTTGTGGCTGAG[C>T]CCTCAGGCTCTGAGAGCAGCATGGAGCAGGTGCTGTTCCCCAAGCCTGGCCCACTGGAGC-3'
Protein context (NP_006075.3, residues 237-257): QSLDCRLVAE[Pro247Ser]SGSESSMEQV